The following is an entry in ClinVar:

ClinVar aggregate classification (germline): Pathogenic (1 of 4 stars; one submission).

Conditions:
Tuberous sclerosis 2 (TSC2). Identifiers: Orphanet 805, MedGen C1860707, MONDO:0013199, OMIM 613254.

Submission:

Labcorp Genetics (formerly Invitae), Labcorp
Classification: Pathogenic for Tuberous sclerosis 2. Last evaluated: 2023-05-02. Review status: criteria provided, single submitter. Criteria: Invitae Variant Classification Sherloc (09022015). Collection method: clinical testing. Allele origin: unknown.
Comment: For these reasons, this variant has been classified as Pathogenic. This variant disrupts a region of the TSC2 protein in which other variant(s) (p.Leu362Pro) have been determined to be pathogenic (Invitae). This suggests that this is a clinically significant region of the protein, and that variants that disrupt it are likely to be disease-causing. This variant has not been reported in the literature in individuals affected with TSC2-related conditions. This variant results in the deletion of exons 11-40 and part of exon 41 (c.976-4_5234del) of the TSC2 gene. It is expected to disrupt RNA splicing. Variants that disrupt the donor or acceptor splice site typically lead to a loss of protein function (PMID: 16199547), and loss-of-function variants in TSC2 are known to be pathogenic (PMID: 10205261, 17304050).

Literature cited by the submitters: PubMed 16199547; PubMed 10205261; PubMed 17304050.

NC_000016.9:g.(?_2110667)_(2138301_?)del

Gene: TSC2 (TSC complex subunit 2; plus strand). Cytogenetic location: 16p13.3.
Variant type: Deletion.
Identifiers: ClinVar variation 3243477 (VCV003243477.1).